The following is an entry in ClinVar:

NM_024876.4(COQ8B):c.560C>T (p.Pro187Leu)

Gene: COQ8B (coenzyme Q8B; minus strand). Cytogenetic location: 19q13.2.
Variant type: single nucleotide variant.
Coding change: c.560C>T on transcript NM_024876.4 (MANE Select); coding-DNA position 560, C replaced by T.
Protein change: p.Pro187Leu; replaces proline 187 with leucine.
Molecular consequence: missense variant.
Genome position (GRCh38, 1-based): chr19:40,705,112, G>A on the plus strand (C>T on the coding strand, the complement: COQ8B is on the minus strand). VCF-style: chr19-40705112-G-A. GRCh37 (hg19) VCF-style: chr19-41211017-G-A.
Other names: c.437C>T, p.Pro146Leu (NM_001142555.3); short protein forms P187L, P146L.
Identifiers: ClinVar variation 2155246 (VCV002155246.4), dbSNP rs1370040242, ClinGen allele CA405965004.

ClinVar aggregate classification (germline): Uncertain significance (1 of 4 stars; one submission).

Allele frequency attached by ClinVar (database versions not stated): TOPMed below 0.00001; gnomAD 0.00001.

Submission:

Labcorp Genetics (formerly Invitae), Labcorp
Classification: Uncertain significance. Last evaluated: 2022-01-27. Review status: criteria provided, single submitter. Criteria: Invitae Variant Classification Sherloc (09022015). Collection method: clinical testing. Allele origin: germline.
Comment: In summary, the available evidence is currently insufficient to determine the role of this variant in disease. Therefore, it has been classified as a Variant of Uncertain Significance. Advanced modeling of protein sequence and biophysical properties (such as structural, functional, and spatial information, amino acid conservation, physicochemical variation, residue mobility, and thermodynamic stability) performed at Invitae indicates that this missense variant is expected to disrupt COQ8B protein function. This variant has not been reported in the literature in individuals affected with COQ8B-related conditions. This variant is not present in population databases (gnomAD no frequency). This sequence change replaces proline, which is neutral and non-polar, with leucine, which is neutral and non-polar, at codon 187 of the COQ8B protein (p.Pro187Leu).